The following is an entry in ClinVar:

NM_001371596.2(MFSD8):c.1408A>G (p.Met470Val)

Gene: MFSD8 (major facilitator superfamily domain containing 8; minus strand). Cytogenetic location: 4q28.2.
Variant type: single nucleotide variant.
Coding change: c.1408A>G on transcript NM_001371596.2 (MANE Select); coding-DNA position 1408, A replaced by G.
Protein change: p.Met470Val; replaces methionine 470 with valine.
Molecular consequence: missense variant.
Genome position (GRCh38, 1-based): chr4:127,920,779, T>C on the plus strand (A>G on the coding strand, the complement: MFSD8 is on the minus strand). VCF-style: chr4-127920779-T-C. GRCh37 (hg19) VCF-style: chr4-128841934-T-C.
Other names: c.1207A>G, p.Met403Val (NM_001363520.3); c.1093A>G, p.Met365Val (NM_001363521.3); c.1273A>G, p.Met425Val (NM_001371590.2); c.1417A>G, p.Met473Val (NM_001371591.2); c.1414A>G, p.Met472Val (NM_001371592.2); c.1294A>G, p.Met432Val (NM_001371593.2); c.1261A>G, p.Met421Val (NM_001371594.2); c.1126A>G, p.Met376Val (NM_001371595.1); and 3 more; short protein forms M470V, M403V, M365V, M376V, M421V, M425V, M432V, M472V.
Identifiers: ClinVar variation 206164 (VCV000206164.14), dbSNP rs764549054, ClinGen allele CA315990.

ClinVar aggregate classification (germline): Conflicting classifications of pathogenicity. Review status: criteria provided, conflicting classifications (1 of 4 stars). 7 submissions from 7 submitters: Uncertain significance (5); Likely benign (1). 1 of the submissions does not count toward it. Last evaluated 2024-07-31.

Conditions:
Late-infantile neuronal ceroid lipofuscinosis. Also called: Jansky-Bielschowsky disease. Identifiers: MedGen C0022340, MONDO:0015674.
Neuronal ceroid lipofuscinosis 7 (CLN7). Also called: MFSD8-Related Neuronal Ceroid-Lipofuscinosis. Identifiers: Orphanet 168491, Orphanet 228366, MedGen C1838571, MONDO:0012588, OMIM 610951.

Allele frequency attached by ClinVar (database versions not stated): gnomAD below 0.00001 and 0.00001; ExAC 0.00001; gnomAD exomes 0.00001; TOPMed 0.00001.
gnomAD v4.1: 22 of 1,613,968 alleles (0.0014%); highest among the groups gnomAD compares: South Asian, 0.018%; no homozygotes.

Submissions (7):

Blueprint Genetics
Classification: Likely benign. Last evaluated: 2024-07-31. Review status: criteria provided, single submitter. Criteria: ACMG Guidelines, 2015. Collection method: clinical testing. Allele origin: germline.

Labcorp Genetics (formerly Invitae), Labcorp
Classification: Uncertain significance for Neuronal ceroid lipofuscinosis 7. Last evaluated: 2024-05-13. Review status: criteria provided, single submitter. Criteria: Invitae Variant Classification Sherloc (09022015). Collection method: clinical testing. Allele origin: germline.
Comment: This sequence change replaces methionine, which is neutral and non-polar, with valine, which is neutral and non-polar, at codon 470 of the MFSD8 protein (p.Met470Val). This variant is present in population databases (rs764549054, gnomAD 0.003%). This missense change has been observed in individual(s) with neuronal ceroid lipofuscinoses (PMID: 21990111). ClinVar contains an entry for this variant (Variation ID: 206164). Advanced modeling of protein sequence and biophysical properties (such as structural, functional, and spatial information, amino acid conservation, physicochemical variation, residue mobility, and thermodynamic stability) performed at Invitae indicates that this missense variant is not expected to disrupt MFSD8 protein function with a negative predictive value of 80%. In summary, the available evidence is currently insufficient to determine the role of this variant in disease. Therefore, it has been classified as a Variant of Uncertain Significance.

Women's Health and Genetics/Laboratory Corporation of America, LabCorp
Classification: Uncertain significance. Last evaluated: 2022-04-01. Review status: criteria provided, single submitter. Criteria: LabCorp Variant Classification Summary - May 2015. Collection method: clinical testing. Allele origin: germline.
Comment: Variant summary: MFSD8 c.1408A>G (p.Met470Val) results in a conservative amino acid change located in the Major facilitator superfamily domain (IPR020846) of the encoded protein sequence. Five of five in-silico tools predict a benign effect of the variant on protein function. The variant allele was found at a frequency of 8.8e-05 in 260808 control chromosomes (gnomAD and publication). This frequency is not higher than expected for a pathogenic variant in MFSD8 causing Neuronal Ceroid-Lipofuscinosis (Batten Disease) (8.8e-05 vs 0.00094), allowing no conclusion about variant significance. c.1408A>G has been reported in the literature in a heterozygous individual without another variant identified who was affected with Neuronal Ceroid-Lipofuscinosis (Batten Disease) (Kousi_2012), but it has also been reported in a homozygous individual who lacked Batten Disease phenotype (Abouelhoda_2016). These reports do not provide unequivocal conclusions about association of the variant with Neuronal Ceroid-Lipofuscinosis (Batten Disease). To our knowledge, no experimental evidence demonstrating an impact on protein function has been reported. Four ClinVar submitters (evaluation after 2014) cite the variant as uncertain significance. Based on the evidence outlined above, the variant was classified as uncertain significance.

Pars Genome Lab
Classification: Uncertain significance for Neuronal ceroid lipofuscinosis 7. Last evaluated: 2021-05-18. Review status: criteria provided, single submitter. Criteria: ACMG Guidelines, 2015. Collection method: clinical testing. Allele origin: germline. Affected: no.

GeneDx
Classification: Uncertain significance. Last evaluated: 2018-10-25. Review status: criteria provided, single submitter. Criteria: GeneDx Variant Classification (06012015). Collection method: clinical testing. Allele origin: germline. Affected: yes.
Comment: A variant of uncertain significance has been identified in the MFSD8 gene. The M470V variant has been previously reported in an individual with NCL; however, a second MFSD8 variant was not identified (Kousi et al., 2012). The M470V variant is not observed at a significant frequency in large population cohorts (Lek et al., 2016). The M470V variant is a conservative amino acid substitution, which is not likely to impact secondary protein structure as these residues share similar properties. In-silico analyses, including protein predictors and evolutionary conservation, support that this variant does not alter protein structure/function. Therefore, based on the currently available information, it is unclear whether this variant is a pathogenic variant or a rare benign variant.

Breakthrough Genomics
Classification: Uncertain significance. Review status: criteria provided, single submitter. Criteria: ACMG Guidelines, 2015. Collection method: not provided. Allele origin: germline. Inheritance: Autosomal recessive inheritance. Affected: yes.

Natera, Inc.
Classification: Uncertain significance for Late-infantile neuronal ceroid lipofuscinosis. Last evaluated: 2020-02-28. Review status: no assertion criteria provided. Collection method: clinical testing. Allele origin: germline. Not counted in ClinVar's aggregate classification.

Literature cited by the submitters: PubMed 21990111 (cited by Labcorp Genetics (formerly Invitae), Labcorp and Women's Health and Genetics/Laboratory Corporation of America, LabCorp); PubMed 27884173 (cited by Women's Health and Genetics/Laboratory Corporation of America, LabCorp).